The following is an entry in ClinVar:

ClinVar aggregate classification (germline): Uncertain significance (1 of 4 stars; one submission).

Conditions:
Myofibrillar myopathy 5. Also called: Filaminopathy (type); FILAMINOPATHY, AUTOSOMAL DOMINANT. Identifiers: Orphanet 171445, MedGen C1836050, MONDO:0012289, OMIM 609524.
Distal myopathy with posterior leg and anterior hand involvement. Also called: WILLIAMS DISTAL MYOPATHY. Identifiers: Orphanet 63273, MedGen C3279722, MONDO:0013550, OMIM 614065.
Hypertrophic cardiomyopathy 26. Also called: Cardiomyopathy, familial hypertrophic, 26. Identifiers: Orphanet 75249, MedGen C4310749, MONDO:0014883, OMIM 617047.

Allele frequency attached by ClinVar (database versions not stated): gnomAD exomes below 0.00001.

Submission:

Labcorp Genetics (formerly Invitae), Labcorp
Classification: Uncertain significance for Distal myopathy with posterior leg and anterior hand involvement; Myofibrillar myopathy 5; Hypertrophic cardiomyopathy 26. Last evaluated: 2023-02-11. Review status: criteria provided, single submitter. Criteria: Invitae Variant Classification Sherloc (09022015). Collection method: clinical testing. Allele origin: germline.
Comment: In summary, the available evidence is currently insufficient to determine the role of this variant in disease. Therefore, it has been classified as a Variant of Uncertain Significance. Algorithms developed to predict the effect of missense changes on protein structure and function (SIFT, PolyPhen-2, Align-GVGD) all suggest that this variant is likely to be tolerated. This variant has not been reported in the literature in individuals affected with FLNC-related conditions. This variant is present in population databases (no rsID available, gnomAD 0.0009%). This sequence change replaces isoleucine, which is neutral and non-polar, with valine, which is neutral and non-polar, at codon 740 of the FLNC protein (p.Ile740Val).

NM_001458.5(FLNC):c.2218A>G (p.Ile740Val)

Gene: FLNC (filamin C; plus strand). Cytogenetic location: 7q32.1.
Variant type: single nucleotide variant.
Coding change: c.2218A>G on transcript NM_001458.5 (MANE Select); coding-DNA position 2218, A replaced by G.
Protein change: p.Ile740Val; replaces isoleucine 740 with valine.
Molecular consequence: missense variant.
Genome position (GRCh38, 1-based): chr7:128,842,327, A>G. VCF-style: chr7-128842327-A-G. GRCh37 (hg19) VCF-style: chr7-128482381-A-G.
Other names: c.2218A>G, p.Ile740Val (NM_001127487.2); short protein forms I740V.
Identifiers: ClinVar variation 2936397 (VCV002936397.3), dbSNP rs1396943542, ClinGen allele CA369229331.
Genomic context (GRCh38, chr7:128,842,327, plus strand): 5'-CCCAACGGCGACGGCACCTTCCGCTGCTCCTACGTGCCCACCAAGCCCATTAAGCACACC[A>G]TCATCATCTCCTGGGGAGGCGTAAACGTGCCCAAGAGCCCCTTCCGGGTGCGTCCTCCCG-3'
Protein context (NP_001449.3, residues 730-750): YVPTKPIKHT[Ile740Val]IISWGGVNVP